The following is an entry in ClinVar:

NM_005677.4(COLQ):c.212G>A (p.Arg71Gln)

Gene: COLQ (collagen like tail subunit of asymmetric acetylcholinesterase; minus strand). Cytogenetic location: 3p25.1.
Variant type: single nucleotide variant.
Coding change: c.212G>A on transcript NM_005677.4 (MANE Select); coding-DNA position 212, G replaced by A.
Protein change: p.Arg71Gln; replaces arginine 71 with glutamine.
Molecular consequence: missense variant.
Genome position (GRCh38, 1-based): chr3:15,489,532, C>T on the plus strand (G>A on the coding strand, the complement: COLQ is on the minus strand). VCF-style: chr3-15489532-C-T. GRCh37 (hg19) VCF-style: chr3-15531039-C-T.
Other names: c.212G>A (NM_005677.3); c.182G>A, p.Arg61Gln (NM_080538.2); c.212G>A, p.Arg71Gln (NM_080539.4); short protein forms R61Q, R71Q.
Identifiers: ClinVar variation 1004931 (VCV001004931.8), dbSNP rs775959815, ClinGen allele CA2276297.
Genomic context (GRCh38, chr3:15,489,532, plus strand): 5'-GTGCACTGAGTAGCCTGCACTTTTTTTCCTCTCATAAATCCCAAAGTACTCACCGGACTT[C>T]GGCCACCTCTGAAGAATGGTGGTGGGAACAGTGGTGGTGGAGGAGGCGTCAGCAGGCAGC-3'
Protein context (NP_005668.2, residues 61-81): LFPPPFFRGG[Arg71Gln]SPLLSPDMKN

ClinVar aggregate classification (germline): Uncertain significance. Review status: criteria provided, multiple submitters, no conflicts (2 of 4 stars). 2 submissions from 2 submitters: Uncertain significance (2). Last evaluated 2025-04-02.

Conditions:
Congenital myasthenic syndrome 5. Identifiers: Orphanet 590, MedGen C1864233, MONDO:0011281, OMIM 603034.

Allele frequency attached by ClinVar (database versions not stated): gnomAD exomes 0.00001 and 0.00004; ExAC 0.00002; gnomAD 0.00003 and 0.00004; TOPMed 0.00003.
gnomAD v4.1: 29 of 1,614,036 alleles (0.0018%); highest among the groups gnomAD compares: Admixed American, 0.018%; no homozygotes.

Submissions (2):

Revvity Omics, Revvity
Classification: Uncertain significance for Congenital myasthenic syndrome 5. Last evaluated: 2025-04-02. Review status: criteria provided, single submitter. Criteria: ACMG Guidelines, 2015. Collection method: clinical testing. Allele origin: germline.

Labcorp Genetics (formerly Invitae), Labcorp
Classification: Uncertain significance for Congenital myasthenic syndrome 5. Last evaluated: 2021-08-27. Review status: criteria provided, single submitter. Criteria: Invitae Variant Classification Sherloc (09022015). Collection method: clinical testing. Allele origin: germline.
Comment: This sequence change replaces arginine with glutamine at codon 71 of the COLQ protein (p.Arg71Gln). The arginine residue is highly conserved and there is a small physicochemical difference between arginine and glutamine. This variant is present in population databases (rs775959815, ExAC 0.02%). This variant has not been reported in the literature in individuals affected with COLQ-related conditions. Algorithms developed to predict the effect of missense changes on protein structure and function are either unavailable or do not agree on the potential impact of this missense change (SIFT: "Tolerated"; PolyPhen-2: "Possibly Damaging"; Align-GVGD: "Class C0"). In summary, the available evidence is currently insufficient to determine the role of this variant in disease. Therefore, it has been classified as a Variant of Uncertain Significance.